The following is an entry in ClinVar:

NM_000155.4(GALT):c.821-2A>G

Gene: GALT (galactose-1-phosphate uridylyltransferase; plus strand). Cytogenetic location: 9p13.3.
Variant type: single nucleotide variant.
Coding change: c.821-2A>G on transcript NM_000155.4 (MANE Select); the canonical splice acceptor site of the intron before coding-DNA position 821, A replaced by G.
Molecular consequence: splice acceptor variant.
Genome position (GRCh38, 1-based): chr9:34,648,996, A>G. VCF-style: chr9-34648996-A-G. GRCh37 (hg19) VCF-style: chr9-34648993-A-G.
Other names: c.494-2A>G (NM_001258332.2); c.821-2A>G (NM_000155.3).
Identifiers: ClinVar variation 2675825 (VCV002675825.3), dbSNP rs111033767, ClinGen allele CA259512.

ClinVar aggregate classification (germline): Pathogenic/Likely pathogenic. Review status: criteria provided, multiple submitters, no conflicts (2 of 4 stars). 3 submissions from 3 submitters: Pathogenic (2); Likely pathogenic (1). Last evaluated 2025-09-26.

Conditions:
Deficiency of UDPglucose-hexose-1-phosphate uridylyltransferase. Also called: GALACTOSE-1-PHOSPHATE URIDYLYLTRANSFERASE DEFICIENCY; GALT deficiency; Galactosemia, classic; Transferase Deficiency Galactosemia; GALACTOSEMIA I. Identifiers: Orphanet 352, Orphanet 79239, MedGen C0268151, MONDO:0009258, OMIM 230400.
Galactosemia. Also called: Galactose intolerance. Identifiers: Orphanet 352, MedGen C0016952, MONDO:0018116, HP:0004919. Disease mechanism: loss of function.

gnomAD v4.1: 1 of 1,614,122 alleles (0.000062%); highest among the groups gnomAD compares: Non-Finnish European, 0.000085%; no homozygotes.

Submissions (3):

Myriad Genetics, Inc.
Classification: Pathogenic for Deficiency of UDPglucose-hexose-1-phosphate uridylyltransferase. Last evaluated: 2025-09-26. Review status: criteria provided, single submitter. Criteria: Myriad Autosomal Dominant, Autosomal Recessive and X-Linked Classification Criteria (2023). Collection method: clinical testing. Allele origin: unknown.
Comment: NM_000155.3(GALT):c.821-2A>G is a variant in a canonical splice site classified as pathogenic in the context of galactosemia. c.821-2A>G has been observed in cases with relevant disease (PMID: 15841485). Relevant functional assessments of this variant are not available in the literature. Internal structural analysis of the variant is supportive of pathogenicity. c.821-2A>G has not been observed in referenced population frequency databases. In summary, NM_000155.3(GALT):c.821-2A>G is a variant in a canonical splice site that has internal structural support for pathogenicity and has been observed more frequently in cases with the relevant disease than in healthy populations. Please note: this variant was assessed in the context of healthy population screening.

Natera, Inc.
Classification: Likely pathogenic for Galactosemia. Last evaluated: 2025-03-11. Review status: criteria provided, single submitter. Criteria: Natera Variant Classification Schema (03/2026). Collection method: clinical testing. Allele origin: germline.
Comment: The c.821-2A>G variant in GALT is a canonical splice acceptor site variant predicted to affect pre-mRNA splicing, which may result in an abnormal transcript and altered protein product. This variant is expected to result in nonsense mediated decay, truncation, or a dysfunctional protein product. This variant is rare in the general population with a frequency below the threshold expected for the associated phenotype(s). This variant has been observed in one or more individuals affected with the associated recessive disease, as either homozygous or compound heterozygous with a second variant (PMID: 15841485). Given the available evidence, this variant is classified as Likely Pathogenic.

Baylor Genetics
Classification: Pathogenic for Deficiency of UDPglucose-hexose-1-phosphate uridylyltransferase. Last evaluated: 2023-07-06. Review status: criteria provided, single submitter. Criteria: ACMG Guidelines, 2015. Collection method: clinical testing. Allele origin: unknown.

Literature cited by the submitters: PubMed 15841485 (cited by Myriad Genetics, Inc. and Natera, Inc.).